The following is an entry in ClinVar:

ClinVar aggregate classification (germline): Uncertain significance (1 of 4 stars; one submission).

Submission:

GeneDx
Classification: Uncertain significance. Last evaluated: 2021-02-25. Review status: criteria provided, single submitter. Criteria: GeneDx Variant Classification Process June 2021. Collection method: clinical testing. Allele origin: germline. Affected: yes.
Comment: Not observed in large population cohorts (Lek et al., 2016); In silico analysis, which includes protein predictors and evolutionary conservation, supports a deleterious effect; Has not been previously published as pathogenic or benign to our knowledge

NM_000414.4(HSD17B4):c.1604_1606delinsTTT (p.Cys535_Thr536delinsPheSer)

Gene: HSD17B4 (hydroxysteroid 17-beta dehydrogenase 4; plus strand). Cytogenetic location: 5q23.1.
Variant type: Indel.
Coding change: c.1604_1606delinsTTT on transcript NM_000414.4 (MANE Select); coding-DNA positions 1604 to 1606, GTA replaced by TTT.
Protein change: p.Cys535_Thr536delinsPheSer.
Molecular consequence: missense variant. On other transcripts: non-coding transcript variant (2).
Genome position (GRCh38, 1-based): chr5:119,525,947-119,525,949, GTA replaced by TTT. VCF-style: chr5-119525947-GTA-TTT. GRCh37 (hg19) VCF-style: chr5-118861642-GTA-TTT.
Other names: c.1679_1681delinsTTT, p.Cys560_Thr561delinsPheSer (NM_001199291.3); c.1550_1552delinsTTT, p.Cys517_Thr518delinsPheSer (NM_001199292.2); c.1532_1534delinsTTT, p.Cys511_Thr512delinsPheSer (NM_001292027.2, NM_001374498.1); c.1184_1186delinsTTT, p.Cys395_Thr396delinsPheSer (NM_001292028.2); c.1595_1597delinsTTT, p.Cys532_Thr533delinsPheSer (NM_001374497.1); c.1277_1279delinsTTT, p.Cys426_Thr427delinsPheSer (NM_001374499.1); c.1163_1165delinsTTT, p.Cys388_Thr389delinsPheSer (NM_001374500.1); c.1193_1195delinsTTT, p.Cys398_Thr399delinsPheSer (NM_001374501.1, NM_001374502.1, NM_001374503.1).
Identifiers: ClinVar variation 1212682 (VCV001212682.3), dbSNP rs2126876332, ClinGen allele CA2499217505.